The following is an entry in ClinVar:

NM_002907.4(RECQL):c.1846G>T (p.Glu616Ter)

Genes: PYROXD1 (pyridine nucleotide-disulphide oxidoreductase domain 1; plus strand), RECQL (RecQ like helicase; minus strand). Cytogenetic location: 12p12.1.
Variant type: single nucleotide variant.
Coding change: c.1846G>T on transcript NM_002907.4 (MANE Select); coding-DNA position 1846, G replaced by T.
Protein change: p.Glu616Ter; replaces glutamic acid 616 with a stop codon.
Molecular consequence: nonsense. On other transcripts: 3 prime UTR variant (3).
Genome position (GRCh38, 1-based): chr12:21,470,298, C>A on the plus strand (G>T on the coding strand, the complement: RECQL is on the minus strand). VCF-style: chr12-21470298-C-A. GRCh37 (hg19) VCF-style: chr12-21623232-C-A.
Other names: c.1846G>T, p.Glu616Ter (NM_032941.3); c.*1544C>A (NM_001350912.2, NM_001350913.2, NM_024854.5); short protein forms E616*.
Identifiers: ClinVar variation 1781254 (VCV001781254.6), dbSNP rs1296728744, ClinGen allele CA384113877.

ClinVar aggregate classification (germline): Uncertain significance. Review status: criteria provided, multiple submitters, no conflicts (2 of 4 stars). 2 submissions from 2 submitters: Uncertain significance (2). Last evaluated 2026-08-25.

Allele frequency attached by ClinVar (database versions not stated): gnomAD 0.00001.

Submissions (2):

Ambry Genetics
Classification: Uncertain significance. Last evaluated: 2026-08-25. Review status: criteria provided, single submitter. Criteria: Ambry Variant Classification Scheme 2023. Collection method: clinical testing. Allele origin: germline.
Comment: The p.E616* variant (also known as c.1846G>T), located in coding exon 14 of the RECQL gene, results from a G to T substitution at nucleotide position 1846. This changes the amino acid from a glutamic acid to a stop codon within coding exon 14. This variant occurs at the 3' terminus of the gene and is not expected to trigger nonsense-mediated mRNA decay. The evidence for this gene-disease relationship is limited; therefore, the clinical significance of this variant is unclear.

Labcorp Genetics (formerly Invitae), Labcorp
Classification: Uncertain significance. Last evaluated: 2023-10-12. Review status: criteria provided, single submitter. Criteria: Invitae Variant Classification Sherloc (09022015). Collection method: clinical testing. Allele origin: germline.
Comment: This sequence change creates a premature translational stop signal (p.Glu616*) in the RECQL gene. While this is not anticipated to result in nonsense mediated decay, it is expected to disrupt the last 34 amino acid(s) of the RECQL protein. This variant is not present in population databases (gnomAD no frequency). This variant has not been reported in the literature in individuals affected with RECQL-related conditions. ClinVar contains an entry for this variant (Variation ID: 1781254). Experimental studies and prediction algorithms are not available or were not evaluated, and the functional significance of this variant is currently unknown. In summary, the available evidence is currently insufficient to determine the role of this variant in disease. Therefore, it has been classified as a Variant of Uncertain Significance.